The following is an entry in ClinVar:

ClinVar aggregate classification (germline): Uncertain significance. Review status: criteria provided, multiple submitters, no conflicts (2 of 4 stars). 5 submissions from 4 submitters: Uncertain significance (5). Last evaluated 2024-10-08.

Conditions:
Usher syndrome type 2A. Also called: RETINAL DISEASE IN USHER SYNDROME TYPE IIA, MODIFIER OF; USHER SYNDROME, TYPE IIA. Identifiers: Orphanet 231178, Orphanet 886, MedGen C1848634, MONDO:0010169, OMIM 276901.
Retinitis pigmentosa 39 (RP39). Identifiers: Orphanet 791, MedGen C3151138, MONDO:0013436, OMIM 613809.

Allele frequency attached by ClinVar (database versions not stated): ExAC 0.00002; TOPMed 0.00003; gnomAD exomes 0.00005; gnomAD 0.00006.
gnomAD v4.1: 96 of 1,612,922 alleles (0.006%); highest among the groups gnomAD compares: African/African-American, 0.021%; 2 homozygotes.

Submissions (5):

Labcorp Genetics (formerly Invitae), Labcorp
Classification: Uncertain significance. Last evaluated: 2024-10-08. Review status: criteria provided, single submitter. Criteria: Invitae Variant Classification Sherloc (09022015). Collection method: clinical testing. Allele origin: germline.
Comment: This sequence change replaces aspartic acid, which is acidic and polar, with asparagine, which is neutral and polar, at codon 5103 of the USH2A protein (p.Asp5103Asn). This variant is present in population databases (rs112958319, gnomAD 0.003%). This variant has not been reported in the literature in individuals affected with USH2A-related conditions. ClinVar contains an entry for this variant (Variation ID: 2179112). Invitae Evidence Modeling of protein sequence and biophysical properties (such as structural, functional, and spatial information, amino acid conservation, physicochemical variation, residue mobility, and thermodynamic stability) indicates that this missense variant is not expected to disrupt USH2A protein function with a negative predictive value of 95%. In summary, the available evidence is currently insufficient to determine the role of this variant in disease. Therefore, it has been classified as a Variant of Uncertain Significance.

Genome-Nilou Lab
Classification: Uncertain significance for Retinitis pigmentosa 39. Last evaluated: 2023-11-04. Review status: criteria provided, single submitter. Criteria: ACMG Guidelines, 2015. Collection method: clinical testing. Allele origin: germline. Affected: no.

Genome-Nilou Lab
Classification: Uncertain significance for Usher syndrome type 2A. Last evaluated: 2023-11-04. Review status: criteria provided, single submitter. Criteria: ACMG Guidelines, 2015. Collection method: clinical testing. Allele origin: germline. Affected: no.

Blueprint Genetics
Classification: Uncertain significance. Last evaluated: 2023-03-20. Review status: criteria provided, single submitter. Criteria: ACMG Guidelines, 2015. Collection method: clinical testing. Allele origin: germline.

GeneDx
Classification: Uncertain significance. Last evaluated: 2023-03-08. Review status: criteria provided, single submitter. Criteria: GeneDx Variant Classification Process June 2021. Collection method: clinical testing. Allele origin: germline. Affected: yes.
Comment: Not observed at significant frequency in large population cohorts (gnomAD); In silico analysis supports that this missense variant has a deleterious effect on protein structure/function; Has not been previously published as pathogenic or benign to our knowledge

NM_206933.4(USH2A):c.15307G>A (p.Asp5103Asn)

Gene: USH2A (usherin; minus strand). Cytogenetic location: 1q41.
Variant type: single nucleotide variant.
Coding change: c.15307G>A on transcript NM_206933.4 (MANE Select); coding-DNA position 15307, G replaced by A.
Protein change: p.Asp5103Asn; replaces aspartic acid 5103 with asparagine.
Molecular consequence: missense variant.
Genome position (GRCh38, 1-based): chr1:215,629,026, C>T on the plus strand (G>A on the coding strand, the complement: USH2A is on the minus strand). VCF-style: chr1-215629026-C-T. GRCh37 (hg19) VCF-style: chr1-215802368-C-T.
Other names: c.15307G>A (NM_206933.2); short protein forms D5103N.
Identifiers: ClinVar variation 2179112 (VCV002179112.5), dbSNP rs112958319, ClinGen allele CA1392713.